The following is an entry in ClinVar:

NM_001354587.1(ANKRD36):c.11G>A (p.Gly4Asp)

Genes: ANKRD36 (ankyrin repeat domain 36; plus strand), LOC129934384 (ATAC-STARR-seq lymphoblastoid active region 16237; plus strand). Cytogenetic location: 2q11.2.
Variant type: single nucleotide variant.
Coding change: c.11G>A on transcript NM_001354587.1 (MANE Select); coding-DNA position 11, G replaced by A.
Protein change: p.Gly4Asp; replaces glycine 4 with aspartic acid.
Molecular consequence: missense variant.
Genome position (GRCh38, 1-based): chr2:97,113,750, G>A. VCF-style: chr2-97113750-G-A. GRCh37 (hg19) VCF-style: chr2-97779487-G-A.
Other names: c.11G>A, p.Gly4Asp (NM_198555.4); short protein forms G4D.
Identifiers: ClinVar variation 2651156 (VCV002651156.24), dbSNP rs2315151, ClinGen allele CA1786419.

ClinVar aggregate classification (germline): Likely benign (1 of 4 stars; one submission).

Allele frequency attached by ClinVar (database versions not stated): ExAC 0.00032; gnomAD exomes 0.00112; gnomAD 0.00218; TOPMed 0.00260.
gnomAD v4.1: 2,023 of 1,608,904 alleles (0.13%); highest among the groups gnomAD compares: Middle Eastern, 0.76%; 33 homozygotes.

Submission:

CeGaT Center for Human Genetics Tuebingen
Classification: Likely benign. Last evaluated: 2025-04-01. Review status: criteria provided, single submitter. Criteria: CeGaT Center For Human Genetics Tuebingen Variant Classification Criteria Version 2. Collection method: clinical testing. Allele origin: germline. Affected: yes. Observed: 3 variant alleles.
Comment: ANKRD36: BS2